The following is an entry in ClinVar:

NM_016169.4(SUFU):c.844C>G (p.Pro282Ala)

Gene: SUFU (SUFU negative regulator of hedgehog signaling; plus strand). Cytogenetic location: 10q24.32.
Variant type: single nucleotide variant.
Coding change: c.844C>G on transcript NM_016169.4 (MANE Select); coding-DNA position 844, C replaced by G.
Protein change: p.Pro282Ala; replaces proline 282 with alanine.
Molecular consequence: missense variant.
Genome position (GRCh38, 1-based): chr10:102,597,227, C>G. VCF-style: chr10-102597227-C-G. GRCh37 (hg19) VCF-style: chr10-104356984-C-G.
Other names: c.844C>G, p.Pro282Ala (NM_001178133.2); c.844C>G (NM_016169.3); short protein forms P282A.
Identifiers: ClinVar variation 1016468 (VCV001016468.10), dbSNP rs1215810497, ClinGen allele CA377910598.
Genomic context (GRCh38, chr10:102,597,227, plus strand): 5'-GATGGCTCCAACCTGAGTGGTGTCAGTGCCAAGTGTGCCTGGGATGACCTGAGCCGGCCC[C>G]CCGAGGATGACGAGGACAGCCGGAGCATCTGCATCGGCACACAGCCCCGGCGACTCTCTG-3'
Protein context (NP_057253.2, residues 272-292): KCAWDDLSRP[Pro282Ala]EDDEDSRSIC

ClinVar aggregate classification (germline): Uncertain significance. Review status: criteria provided, multiple submitters, no conflicts (2 of 4 stars). 2 submissions from 2 submitters: Uncertain significance (2). Last evaluated 2024-11-10.

Conditions:
Medulloblastoma (MDB). Also called: MEDULLOBLASTOMA PREDISPOSITION SYNDROME; Medulloblastoma, somatic. Identifiers: Orphanet 616, MedGen C0025149, MeSH D008527, MONDO:0007959, OMIM 155255, HP:0002885.
Gorlin syndrome. Also called: Nevoid Basal Cell Carcinoma Syndrome; Basal cell nevus syndrome. Identifiers: Orphanet 377, MedGen C0004779, MONDO:0007187.
Hereditary cancer-predisposing syndrome. Also called: Tumor predisposition; Hereditary Cancer Syndrome; Neoplastic Syndromes, Hereditary; Hereditary neoplastic syndrome. Identifiers: Orphanet 140162, MedGen C0027672, MeSH D009386, MONDO:0015356.

Submissions (2):

Ambry Genetics
Classification: Uncertain significance for Hereditary cancer-predisposing syndrome. Last evaluated: 2024-11-10. Review status: criteria provided, single submitter. Criteria: Ambry Variant Classification Scheme 2023. Collection method: clinical testing. Allele origin: germline.
Comment: The p.P282A variant (also known as c.844C>G), located in coding exon 7 of the SUFU gene, results from a C to G substitution at nucleotide position 844. The proline at codon 282 is replaced by alanine, an amino acid with highly similar properties. This amino acid position is conserved. In addition, this alteration is predicted to be tolerated by in silico analysis. Based on the available evidence, the clinical significance of this variant remains unclear.

Labcorp Genetics (formerly Invitae), Labcorp
Classification: Uncertain significance for Gorlin syndrome; Medulloblastoma. Last evaluated: 2020-06-15. Review status: criteria provided, single submitter. Criteria: Invitae Variant Classification Sherloc (09022015). Collection method: clinical testing. Allele origin: germline.
Comment: This variant is not present in population databases (ExAC no frequency). This sequence change replaces proline with alanine at codon 282 of the SUFU protein (p.Pro282Ala). The proline residue is highly conserved and there is a small physicochemical difference between proline and alanine. This variant has not been reported in the literature in individuals with SUFU-related conditions. In summary, the available evidence is currently insufficient to determine the role of this variant in disease. Therefore, it has been classified as a Variant of Uncertain Significance. Algorithms developed to predict the effect of missense changes on protein structure and function (SIFT, PolyPhen-2, Align-GVGD) all suggest that this variant is likely to be tolerated, but these predictions have not been confirmed by published functional studies and their clinical significance is uncertain.